The following is an entry in ClinVar:

ClinVar aggregate classification (germline): Uncertain significance. Review status: criteria provided, multiple submitters, no conflicts (2 of 4 stars). 2 submissions from 2 submitters: Uncertain significance (2). Last evaluated 2025-10-18.

Conditions:
Dilated cardiomyopathy 1W (CMD1W). Identifiers: Orphanet 154, MedGen C1969639, MONDO:0012667, OMIM 611407.

Allele frequency attached by ClinVar (database versions not stated): gnomAD exomes below 0.00001.

Submissions (2):

Labcorp Genetics (formerly Invitae), Labcorp
Classification: Uncertain significance for Dilated cardiomyopathy 1W. Last evaluated: 2025-10-18. Review status: criteria provided, single submitter. Criteria: Invitae Variant Classification Sherloc (09022015). Collection method: clinical testing. Allele origin: germline.
Comment: This sequence change falls in intron 12 of the VCL gene. It does not directly change the encoded amino acid sequence of the VCL protein. It affects a nucleotide within the consensus splice site. This variant is not present in population databases (gnomAD no frequency). This variant has not been reported in the literature in individuals affected with VCL-related conditions. ClinVar contains an entry for this variant (Variation ID: 2014482). Variants that disrupt the consensus splice site are a relatively common cause of aberrant splicing (PMID: 17576681, 9536098). Algorithms developed to predict the effect of sequence changes on RNA splicing suggest that this variant may disrupt the consensus splice site. In summary, the available evidence is currently insufficient to determine the role of this variant in disease. Therefore, it has been classified as a Variant of Uncertain Significance.

Blueprint Genetics
Classification: Uncertain significance. Last evaluated: 2021-03-15. Review status: criteria provided, single submitter. Criteria: ACMG Guidelines, 2015. Collection method: clinical testing. Allele origin: germline.

Literature cited by the submitters: PubMed 17576681 (cited by Labcorp Genetics (formerly Invitae), Labcorp); PubMed 9536098 (cited by Labcorp Genetics (formerly Invitae), Labcorp).

NM_014000.3(VCL):c.1743+1_1743+2dup

Gene: VCL (vinculin; plus strand). Cytogenetic location: 10q22.2.
Variant type: Duplication.
Coding change: c.1743+1_1743+2dup on transcript NM_014000.3 (MANE Select); the canonical splice donor site of the intron after coding-DNA position 1743, 2 bases duplicated (GT; older notation c.1743+1_1743+2dupGT).
Molecular consequence: splice donor variant.
Genome position (GRCh38, 1-based): chr10:74,095,856-74,095,857, GT duplicated. VCF-style (leftmost placement, unchanged base first): chr10-74095855-G-GGT. GRCh37 (hg19) VCF-style: chr10-75855613-G-GGT.
Other names: c.1743+1_1743+2dup (NM_003373.4).
Identifiers: ClinVar variation 2014482 (VCV002014482.5), dbSNP rs2549226690, ClinGen allele CA2580081938.